The following is an entry in ClinVar:

ClinVar aggregate classification (germline): Uncertain significance (1 of 4 stars; one submission).

Allele frequency attached by ClinVar (database versions not stated): 1000 Genomes Project 30x 0.00016; 1000 Genomes Project 0.00020.
gnomAD v4.1: 165 of 1,567,684 alleles (0.011%); highest among the groups gnomAD compares: East Asian, 0.047%; no homozygotes.

Submission:

Labcorp Genetics (formerly Invitae), Labcorp
Classification: Uncertain significance. Last evaluated: 2025-09-03. Review status: criteria provided, single submitter. Criteria: Invitae Variant Classification Sherloc (09022015). Collection method: clinical testing. Allele origin: germline.
Comment: This sequence change replaces proline, which is neutral and non-polar, with arginine, which is basic and polar, at codon 938 of the ZNF687 protein (p.Pro938Arg). This variant is present in population databases (rs74472096, gnomAD 0.1%), and has an allele count higher than expected for a pathogenic variant. This variant has not been reported in the literature in individuals affected with ZNF687-related conditions. ClinVar contains an entry for this variant (Variation ID: 2049448). An algorithm developed to predict the effect of missense changes on protein structure and function outputs the following: PolyPhen-2: "Benign". The arginine amino acid residue is found in multiple mammalian species, which suggests that this missense change does not adversely affect protein function. In summary, the available evidence is currently insufficient to determine the role of this variant in disease. Therefore, it has been classified as a Variant of Uncertain Significance.

NM_020832.3(ZNF687):c.2813C>G (p.Pro938Arg)

Gene: ZNF687 (zinc finger protein 687; plus strand). Cytogenetic location: 1q21.3.
Variant type: single nucleotide variant.
Coding change: c.2813C>G on transcript NM_020832.3 (MANE Select); coding-DNA position 2813, C replaced by G.
Protein change: p.Pro938Arg; replaces proline 938 with arginine.
Molecular consequence: missense variant.
Genome position (GRCh38, 1-based): chr1:151,289,856, C>G. VCF-style: chr1-151289856-C-G. GRCh37 (hg19) VCF-style: chr1-151262332-C-G.
Other names: c.2813C>G, p.Pro938Arg (NM_001304763.2, NM_001304764.2); short protein forms P938R.
Identifiers: ClinVar variation 2049448 (VCV002049448.4), dbSNP rs74472096, ClinGen allele CA1088647.
Genomic context (GRCh38, chr1:151,289,856, plus strand): 5'-CTACTGAGGAGTCGTCTTCATCTTCAGAAGAGGAGGAAGTACCCAGCTCCCCTGAGCCCC[C>G]CCGTCCAGCCAAACGGCCTCGGCGGGAACTAGGGAGCAAAGGCCTCAAGGGTGGGGGTGG-3'
Protein context (NP_065883.1, residues 928-948): EEEVPSSPEP[Pro938Arg]RPAKRPRREL